The following is an entry in ClinVar:

NM_000057.4(BLM):c.1868T>C (p.Ile623Thr)

Gene: BLM (BLM RecQ like helicase; plus strand). Cytogenetic location: 15q26.1.
Variant type: single nucleotide variant.
Coding change: c.1868T>C on transcript NM_000057.4 (MANE Select); coding-DNA position 1868, T replaced by C.
Protein change: p.Ile623Thr; replaces isoleucine 623 with threonine.
Molecular consequence: missense variant.
Genome position (GRCh38, 1-based): chr15:90,761,241, T>C. VCF-style: chr15-90761241-T-C. GRCh37 (hg19) VCF-style: chr15-91304471-T-C.
Other names: c.1868T>C, p.Ile623Thr (NM_001287246.2, NM_001287247.2); c.743T>C, p.Ile248Thr (NM_001287248.2); short protein forms I623T, I248T.
Identifiers: ClinVar variation 579713 (VCV000579713.14), dbSNP rs1567041556, ClinGen allele CA393844016.

ClinVar aggregate classification (germline): Uncertain significance. Review status: criteria provided, multiple submitters, no conflicts (2 of 4 stars). 4 submissions from 4 submitters: Uncertain significance (3). 1 of the submissions does not count toward it. Last evaluated 2025-12-20.

Conditions:
Bloom syndrome (BLM). Also called: Bloom-Torre-Machacek syndrome. Identifiers: Orphanet 125, MedGen C0005859, MONDO:0008876, OMIM 210900.
Hereditary cancer-predisposing syndrome. Also called: Neoplastic Syndromes, Hereditary; Tumor predisposition; Hereditary neoplastic syndrome; Hereditary Cancer Syndrome. Identifiers: Orphanet 140162, MedGen C0027672, MeSH D009386, MONDO:0015356.

Submissions (4):

Labcorp Genetics (formerly Invitae), Labcorp
Classification: Uncertain significance for Bloom syndrome. Last evaluated: 2025-12-20. Review status: criteria provided, single submitter. Criteria: Invitae Variant Classification Sherloc (09022015). Collection method: clinical testing. Allele origin: germline.
Comment: This sequence change replaces isoleucine, which is neutral and non-polar, with threonine, which is neutral and polar, at codon 623 of the BLM protein (p.Ile623Thr). This variant is not present in population databases (gnomAD no frequency). This variant has not been reported in the literature in individuals affected with BLM-related conditions. ClinVar contains an entry for this variant (Variation ID: 579713). An algorithm developed to predict the effect of missense changes on protein structure and function outputs the following: PolyPhen-2: "Benign". The threonine amino acid residue is found in multiple mammalian species, which suggests that this missense change does not adversely affect protein function. In summary, the available evidence is currently insufficient to determine the role of this variant in disease. Therefore, it has been classified as a Variant of Uncertain Significance.

Ambry Genetics
Classification: Uncertain significance for Hereditary cancer-predisposing syndrome. Last evaluated: 2025-08-20. Review status: criteria provided, single submitter. Criteria: Ambry Variant Classification Scheme 2023. Collection method: clinical testing. Allele origin: germline.
Comment: The p.I623T variant (also known as c.1868T>C), located in coding exon 6 of the BLM gene, results from a T to C substitution at nucleotide position 1868. The isoleucine at codon 623 is replaced by threonine, an amino acid with similar properties. This amino acid position is poorly conserved in available vertebrate species. In addition, this alteration is predicted to be tolerated by in silico analysis. Since supporting evidence is limited at this time, the clinical significance of this alteration remains unclear.

GeneDx
Classification: Uncertain significance. Last evaluated: 2021-04-28. Review status: criteria provided, single submitter. Criteria: GeneDx Variant Classification Process June 2021. Collection method: clinical testing. Allele origin: germline. Affected: yes.
Comment: Not observed in large population cohorts (Lek 2016); In silico analysis supports that this missense variant does not alter protein structure/function; Has not been previously published as pathogenic or benign to our knowledge

Natera, Inc.
Classification: Uncertain significance for Bloom syndrome. Last evaluated: 2020-02-26. Review status: no assertion criteria provided. Collection method: clinical testing. Allele origin: germline. Not counted in ClinVar's aggregate classification.